The following is an entry in ClinVar:

NM_001291303.3(FAT4):c.12323G>A (p.Arg4108Lys)

Gene: FAT4 (FAT atypical cadherin 4; plus strand). Cytogenetic location: 4q28.1.
Variant type: single nucleotide variant.
Coding change: c.12323G>A on transcript NM_001291303.3 (MANE Select); coding-DNA position 12323, G replaced by A.
Protein change: p.Arg4108Lys; replaces arginine 4108 with lysine.
Molecular consequence: missense variant.
Genome position (GRCh38, 1-based): chr4:125,477,178, G>A. VCF-style: chr4-125477178-G-A. GRCh37 (hg19) VCF-style: chr4-126398333-G-A.
Other names: c.12317G>A (NM_024582.5); c.12323G>A, p.Arg4108Lys (NM_001291285.3); c.12317G>A, p.Arg4106Lys (NM_024582.6); short protein forms R4106K, R4108K.
Identifiers: ClinVar variation 2808998 (VCV002808998.4), dbSNP rs769567217, ClinGen allele CA3074071.

ClinVar aggregate classification (germline): Uncertain significance. Review status: criteria provided, multiple submitters, no conflicts (2 of 4 stars). 2 submissions from 2 submitters: Uncertain significance (2). Last evaluated 2024-03-28.

Conditions:
Hennekam lymphangiectasia-lymphedema syndrome 2 (HKLLS2). Identifiers: Orphanet 2136, MedGen C4014939, MONDO:0014454, OMIM 616006.
Van Maldergem syndrome 2 (VMLDS2). Identifiers: Orphanet 314679, MedGen C3809875, MONDO:0014242, OMIM 615546.

gnomAD v4.1: 4 of 1,390,474 alleles (0.00029%); highest among the groups gnomAD compares: East Asian, 0.0027%; no homozygotes.

Submissions (2):

Fulgent Genetics
Classification: Uncertain significance for Van Maldergem syndrome 2; Hennekam lymphangiectasia-lymphedema syndrome 2. Last evaluated: 2024-03-28. Review status: criteria provided, single submitter. Criteria: ACMG Guidelines, 2015. Collection method: clinical testing. Allele origin: germline.

Labcorp Genetics (formerly Invitae), Labcorp
Classification: Uncertain significance. Last evaluated: 2022-10-19. Review status: criteria provided, single submitter. Criteria: Invitae Variant Classification Sherloc (09022015). Collection method: clinical testing. Allele origin: germline.
Comment: In summary, the available evidence is currently insufficient to determine the role of this variant in disease. Therefore, it has been classified as a Variant of Uncertain Significance. This sequence change replaces arginine, which is basic and polar, with lysine, which is basic and polar, at codon 4106 of the FAT4 protein (p.Arg4106Lys). This variant is present in population databases (rs769567217, gnomAD 0.001%). This variant has not been reported in the literature in individuals affected with FAT4-related conditions. Advanced modeling of protein sequence and biophysical properties (such as structural, functional, and spatial information, amino acid conservation, physicochemical variation, residue mobility, and thermodynamic stability) performed at Invitae indicates that this missense variant is not expected to disrupt FAT4 protein function.